The following is an entry in ClinVar:

ClinVar aggregate classification (germline): Likely benign. Review status: criteria provided, multiple submitters, no conflicts (2 of 4 stars). 7 submissions from 7 submitters: Likely benign (6). 1 of the submissions does not count toward it. Last evaluated 2025-10-13.

Conditions:
Cardiovascular phenotype. Identifiers: MedGen CN230736.
RAF1-related disorder. Also called: RAF1-related condition; RAF1-related disorders.
RASopathy. Also called: rasopathies; Noonan spectrum disorder. Identifiers: Orphanet 536391, MedGen C5555857, MONDO:0021060.
LEOPARD syndrome 2 (LPRD2). Also called: RAF1-Related LEOPARD Syndrome. Identifiers: Orphanet 500, MedGen C1969056, MONDO:0012691, OMIM 611554.
Noonan syndrome 5 (NS5). Also called: RAF1-Related Noonan Syndrome. Identifiers: Orphanet 648, MedGen C1969057, MONDO:0012690, OMIM 611553. Disease mechanism: gain of function.
Dilated cardiomyopathy 1NN. Identifiers: Orphanet 154, MedGen C4014656, MONDO:0014396, OMIM 615916.

Allele frequency attached by ClinVar (database versions not stated): ExAC 0.00002; gnomAD exomes 0.00002; gnomAD 0.00003 and 0.00004; TOPMed 0.00003; ESP Exome Variant Server 0.00008.
gnomAD v4.1: 69 of 1,613,976 alleles (0.0043%); highest among the groups gnomAD compares: Non-Finnish European, 0.0053%; no homozygotes.

Submissions (7):

Labcorp Genetics (formerly Invitae), Labcorp
Classification: Likely benign for RASopathy. Last evaluated: 2025-10-13. Review status: criteria provided, single submitter. Criteria: Invitae Variant Classification Sherloc (09022015). Collection method: clinical testing. Allele origin: germline.

Ambry Genetics
Classification: Likely benign for Cardiovascular phenotype. Last evaluated: 2023-09-15. Review status: criteria provided, single submitter. Criteria: Ambry Variant Classification Scheme 2023. Collection method: clinical testing. Allele origin: germline.

Fulgent Genetics
Classification: Likely benign for Noonan syndrome 5; LEOPARD syndrome 2; Dilated cardiomyopathy 1NN. Last evaluated: 2021-08-24. Review status: criteria provided, single submitter. Criteria: ACMG Guidelines, 2015. Collection method: clinical testing. Allele origin: unknown.

Blueprint Genetics
Classification: Likely benign. Last evaluated: 2021-04-22. Review status: criteria provided, single submitter. Criteria: ACMG Guidelines, 2015. Collection method: clinical testing. Allele origin: germline.

GeneDx
Classification: Likely benign. Last evaluated: 2020-03-23. Review status: criteria provided, single submitter. Criteria: GeneDx Variant Classification Process June 2021. Collection method: clinical testing. Allele origin: germline. Affected: yes.

Laboratory for Molecular Medicine, Mass General Brigham Personalized Medicine
Classification: Likely benign. Last evaluated: 2010-01-12. Review status: criteria provided, single submitter. Criteria: LMM Criteria. Collection method: clinical testing. Allele origin: germline. Observed: 1 variant allele.

PreventionGenetics, part of Exact Sciences
Classification: Likely benign for RAF1-related condition. Last evaluated: 2023-03-08. Review status: no assertion criteria provided. Collection method: clinical testing. Allele origin: germline. Not counted in ClinVar's aggregate classification.
Comment: This variant is classified as likely benign based on ACMG/AMP sequence variant interpretation guidelines (Richards et al. 2015 PMID: 25741868, with internal and published modifications).

NM_002880.4(RAF1):c.435G>A (p.Thr145=)

Gene: RAF1 (Raf-1 proto-oncogene, serine/threonine kinase; minus strand). Cytogenetic location: 3p25.2.
Variant type: single nucleotide variant.
Coding change: c.435G>A on transcript NM_002880.4 (MANE Select); coding-DNA position 435, G replaced by A.
Protein change: p.Thr145=; no amino-acid change (threonine 145 retained).
Molecular consequence: synonymous variant. On other transcripts: non-coding transcript variant (3).
Genome position (GRCh38, 1-based): chr3:12,608,912, C>T on the plus strand (G>A on the coding strand, the complement: RAF1 is on the minus strand). VCF-style: chr3-12608912-C-T. GRCh37 (hg19) VCF-style: chr3-12650411-C-T.
Other names: c.435G>A, p.Thr145= (NM_001354689.3, NM_001354690.3, NM_001354693.3); c.192G>A, p.Thr64= (NM_001354691.3, NM_001354692.3, NM_001354694.3 and 1 more transcripts).
Identifiers: ClinVar variation 44628 (VCV000044628.20), dbSNP rs371565419, ClinGen allele CA134737.